The following is an entry in ClinVar:

NM_001363.5(DKC1):c.166C>G (p.Leu56Val)

Gene: DKC1 (dyskerin pseudouridine synthase 1; plus strand). Cytogenetic location: Xq28.
Variant type: single nucleotide variant.
Coding change: c.166C>G on transcript NM_001363.5 (MANE Select); coding-DNA position 166, C replaced by G.
Protein change: p.Leu56Val; replaces leucine 56 with valine.
Molecular consequence: missense variant. On other transcripts: non-coding transcript variant (3).
Genome position (GRCh38, 1-based): chrX:154,765,525, C>G. VCF-style: chrX-154765525-C-G. GRCh37 (hg19) VCF-style: chrX-153993800-C-G.
Other names: c.166C>G, p.Leu56Val (NM_001142463.3, NM_001288747.2); short protein forms L56V.
Identifiers: ClinVar variation 3604783 (VCV003604783.2).

ClinVar aggregate classification (germline): Uncertain significance (1 of 4 stars; one submission).

Conditions:
Dyskeratosis congenita. Identifiers: Orphanet 1775, MedGen C0265965, MONDO:0015780.

Submission:

Labcorp Genetics (formerly Invitae), Labcorp
Classification: Uncertain significance for Dyskeratosis congenita. Last evaluated: 2024-08-19. Review status: criteria provided, single submitter. Criteria: Invitae Variant Classification Sherloc (09022015). Collection method: clinical testing. Allele origin: germline.
Comment: This sequence change replaces leucine, which is neutral and non-polar, with valine, which is neutral and non-polar, at codon 56 of the DKC1 protein (p.Leu56Val). This variant is not present in population databases (gnomAD no frequency). This variant has not been reported in the literature in individuals affected with DKC1-related conditions. Invitae Evidence Modeling of protein sequence and biophysical properties (such as structural, functional, and spatial information, amino acid conservation, physicochemical variation, residue mobility, and thermodynamic stability) has been performed for this missense variant. However, the output from this modeling did not meet the statistical confidence thresholds required to predict the impact of this variant on DKC1 protein function. In summary, the available evidence is currently insufficient to determine the role of this variant in disease. Therefore, it has been classified as a Variant of Uncertain Significance.